The following is an entry in ClinVar:

ClinVar aggregate classification (germline): Uncertain significance (1 of 4 stars; one submission).

Conditions:
Teebi hypertelorism syndrome 1. Identifiers: Orphanet 1519, MedGen CN306405, MONDO:0800025, OMIM 145420.

Submission:

Pittsburgh Clinical Genomics Laboratory, University of Pittsburgh Medical Center
Classification: Uncertain significance for Teebi hypertelorism syndrome 1. Last evaluated: 2023-06-06. Review status: criteria provided, single submitter. Criteria: ACMG Guidelines, 2015. Collection method: clinical testing. Allele origin: germline. Inheritance: Autosomal dominant inheritance. Affected: yes.
Comment: This sequence variant is a single nucleotide substitution (T>C) at position 1187 of the coding sequence of the SPECC1L gene that results in a leucine to proline amino acid change at residue 396 of the SPECC1L encoded sperm antigen with calponin homology and coiled-coil domains 1 like protein. This novel variant is absent from ClinVar and the gnomAD population database (0 of approximately 250,000 alleles). To our knowledge, this variant has not been observed in the published literature in an individual affected by a SPECC1L-related disorder. Multiple bioinformatic tools predict that this leucine to proline amino acid change would be damaging, and the leucine residue at this position is highly conserved across the vertebrate species examined. Studies examining the functiol consequence of this variant have not been published, to our knowledge. At this time, there is insufficient evidence to determine if this variant is pathogenic or benign. Therefore, we consider this a variant of uncertain significance. ACMG Criteria: PM2, PP3

NM_015330.6(SPECC1L):c.1187T>C (p.Leu396Pro)

Genes: SPECC1L (sperm antigen with calponin homology and coiled-coil domains 1 like; plus strand), SPECC1L-ADORA2A (SPECC1L-ADORA2A readthrough (NMD candidate); plus strand). Cytogenetic location: 22q11.23.
Variant type: single nucleotide variant.
Coding change: c.1187T>C on transcript NM_015330.6 (MANE Select); coding-DNA position 1187, T replaced by C.
Protein change: p.Leu396Pro; replaces leucine 396 with proline.
Molecular consequence: missense variant. On other transcripts: non-coding transcript variant (1).
Genome position (GRCh38, 1-based): chr22:24,322,167, T>C. VCF-style: chr22-24322167-T-C. GRCh37 (hg19) VCF-style: chr22-24718135-T-C.
Other names: c.1187T>C, p.Leu396Pro (NM_001145468.4, NM_001254732.3); short protein forms L396P.
Identifiers: ClinVar variation 3376317 (VCV003376317.1).